The following is an entry in ClinVar:

ClinVar aggregate classification (germline): Uncertain significance (1 of 4 stars; one submission).

Submission:

Labcorp Genetics (formerly Invitae), Labcorp
Classification: Uncertain significance. Last evaluated: 2023-12-06. Review status: criteria provided, single submitter. Criteria: Invitae Variant Classification Sherloc (09022015). Collection method: clinical testing. Allele origin: germline.
Comment: This sequence change replaces alanine, which is neutral and non-polar, with glycine, which is neutral and non-polar, at codon 481 of the SLC1A4 protein (p.Ala481Gly). This variant is not present in population databases (gnomAD no frequency). This variant has not been reported in the literature in individuals affected with SLC1A4-related conditions. ClinVar contains an entry for this variant (Variation ID: 1496323). Advanced modeling of protein sequence and biophysical properties (such as structural, functional, and spatial information, amino acid conservation, physicochemical variation, residue mobility, and thermodynamic stability) performed at Invitae indicates that this missense variant is not expected to disrupt SLC1A4 protein function with a negative predictive value of 80%. In summary, the available evidence is currently insufficient to determine the role of this variant in disease. Therefore, it has been classified as a Variant of Uncertain Significance.

NM_003038.5(SLC1A4):c.1442C>G (p.Ala481Gly)

Gene: SLC1A4 (solute carrier family 1 member 4; plus strand). Cytogenetic location: 2p14.
Variant type: single nucleotide variant.
Coding change: c.1442C>G on transcript NM_003038.5 (MANE Select); coding-DNA position 1442, C replaced by G.
Protein change: p.Ala481Gly; replaces alanine 481 with glycine.
Molecular consequence: missense variant.
Genome position (GRCh38, 1-based): chr2:65,020,989, C>G. VCF-style: chr2-65020989-C-G. GRCh37 (hg19) VCF-style: chr2-65248123-C-G.
Other names: c.548C>G, p.Ala183Gly (NM_001193493.2); c.782C>G, p.Ala261Gly (NM_001348406.2, NM_001348407.2); short protein forms A183G, A261G, A481G.
Identifiers: ClinVar variation 1496323 (VCV001496323.8), dbSNP rs199730742, ClinGen allele CA49350252.